The following is an entry in ClinVar:

ClinVar aggregate classification (germline): Uncertain significance (1 of 4 stars; one submission).

Conditions:
Multiple endocrine neoplasia, type 2 (MEN2). Identifiers: Orphanet 653, MedGen C4048306, MONDO:0019003. Disease mechanism: gain of function.

Submission:

Labcorp Genetics (formerly Invitae), Labcorp
Classification: Uncertain significance for Multiple endocrine neoplasia, type 2. Last evaluated: 2018-08-15. Review status: criteria provided, single submitter. Criteria: Invitae Variant Classification Sherloc (09022015). Collection method: clinical testing. Allele origin: germline.
Comment: In summary, the available evidence is currently insufficient to determine the role of this variant in disease. Therefore, it has been classified as a Variant of Uncertain Significance. This sequence change affects an acceptor splice site in the last intron (intron 19) of the RET gene. While this is not anticipated to result in nonsense mediated decay, it likely alters RNA splicing and results in a disrupted protein product. This variant is not present in population databases (ExAC no frequency). This variant has not been reported in the literature in individuals with RET-related disease. Nucleotide substitutions within the consensus splice site are a relatively common cause of aberrant splicing (PMID: 17576681, 9536098). Algorithms developed to predict the effect of sequence changes on RNA splicing suggest that this variant may disrupt the consensus splice site, but this prediction has not been confirmed by published transcriptional studies.

Literature cited by the submitters: PubMed 17576681; PubMed 9536098.

NM_020975.6(RET):c.3188-1G>C

Gene: RET (ret proto-oncogene; plus strand). Cytogenetic location: 10q11.21.
Variant type: single nucleotide variant.
Coding change: c.3188-1G>C on transcript NM_020975.6 (MANE Select); the canonical splice acceptor site of the intron before coding-DNA position 3188, G replaced by C.
Molecular consequence: splice acceptor variant. On other transcripts: 3 prime UTR variant (18), intron variant (3).
Genome position (GRCh38, 1-based): chr10:43,128,111, G>C. VCF-style: chr10-43128111-G-C. GRCh37 (hg19) VCF-style: chr10-43623559-G-C.
Other names: c.*1357G>C (NM_001355216.2, NM_001406764.1, NM_001406765.1 and 15 more transcripts); c.3188-1G>C (NM_001406743.1); c.3187+1389G>C (NM_001406744.1); c.3128-1G>C (NM_001406759.1, NM_001406760.1); c.3053-1G>C (NM_001406763.1); c.2792-1G>C (NM_001406769.1); c.2750-1G>C (NM_001406771.1); c.2291-1G>C (NM_001406780.1, NM_001406779.1); and 10 more.
Identifiers: ClinVar variation 665911 (VCV000665911.7), dbSNP rs1588881837, ClinGen allele CA376558731.